The following is an entry in ClinVar:

NM_001201539.2(ARSF):c.161+7C>T

Gene: ARSF (arylsulfatase F; plus strand). Cytogenetic location: Xp22.33.
Variant type: single nucleotide variant.
Coding change: c.161+7C>T on transcript NM_001201539.2 (MANE Select); 7 bases into the intron after coding-DNA position 161, C replaced by T.
Molecular consequence: intron variant.
Genome position (GRCh38, 1-based): chrX:3,072,182, C>T. VCF-style: chrX-3072182-C-T. GRCh37 (hg19) VCF-style: chrX-2990223-C-T.
Other names: c.161+7C>T (NM_001201538.2, NM_004042.5).
Identifiers: ClinVar variation 2659867 (VCV002659867.24), dbSNP rs368461537, ClinGen allele CA10338763.

ClinVar aggregate classification (germline): Likely benign (1 of 4 stars; one submission).

Allele frequency attached by ClinVar (database versions not stated): gnomAD exomes 0.00002; gnomAD 0.00005; TOPMed 0.00009; ExAC 0.00010; ESP Exome Variant Server 0.00028.
gnomAD v4.1: 28 of 1,204,389 alleles (0.0023%); highest among the groups gnomAD compares: African/African-American, 0.03%; no homozygotes.

Submission:

CeGaT Center for Human Genetics Tuebingen
Classification: Likely benign. Last evaluated: 2023-02-01. Review status: criteria provided, single submitter. Criteria: CeGaT Center For Human Genetics Tuebingen Variant Classification Criteria Version 2. Collection method: clinical testing. Allele origin: germline. Affected: yes. Observed: 1 variant allele.
Comment: ARSF: BP4, BS2